The following is an entry in ClinVar:

NC_000002.12:g.121530963C>T

Genes: CLASP1 (cytoplasmic linker associated protein 1; minus strand), CLASP1-AS1 (CLASP1 antisense RNA 1; plus strand), RNU4ATAC (RNA, U4atac small nuclear; plus strand). Cytogenetic location: 2q14.2.
Variant type: single nucleotide variant.
Molecular consequence: intron variant (on NM_001395891.1).
Genome position: GRCh38 VCF-style: chr2-121530963-C-T. GRCh37 (hg19) VCF-style: chr2-122288539-C-T.
Other names: c.196-638G>A (NM_001142274.2, NM_015282.3, NM_001378003.1 and 5 more transcripts).
Identifiers: ClinVar variation 1520545 (VCV001520545.5), dbSNP rs916717603, ClinGen allele CA54810942.

ClinVar aggregate classification (germline): Uncertain significance. Review status: criteria provided, multiple submitters, no conflicts (2 of 4 stars). 2 submissions from 2 submitters: Uncertain significance (2). Last evaluated 2024-06-05.

Allele frequency attached by ClinVar (database versions not stated): TOPMed 0.00012.
gnomAD v4.1: 84 of 700,310 alleles (0.012%); highest among the groups gnomAD compares: Non-Finnish European, 0.018%; no homozygotes.

Submissions (2):

Blueprint Genetics
Classification: Uncertain significance. Last evaluated: 2024-06-05. Review status: criteria provided, single submitter. Criteria: ACMG Guidelines, 2015. Collection method: clinical testing. Allele origin: germline.

Labcorp Genetics (formerly Invitae), Labcorp
Classification: Uncertain significance. Last evaluated: 2023-12-31. Review status: criteria provided, single submitter. Criteria: Invitae Variant Classification Sherloc (09022015). Collection method: clinical testing. Allele origin: germline.
Comment: This variant occurs in the RNU4ATAC gene, which encodes an RNA molecule that does not result in a protein product. This variant is present in population databases (no rsID available, gnomAD 0.01%). This variant has not been reported in the literature in individuals affected with RNU4ATAC-related conditions. ClinVar contains an entry for this variant (Variation ID: 1520545). Experimental studies and prediction algorithms are not available or were not evaluated, and the functional significance of this variant is currently unknown. In summary, the available evidence is currently insufficient to determine the role of this variant in disease. Therefore, it has been classified as a Variant of Uncertain Significance.